The following is an entry in ClinVar:

NM_004168.4(SDHA):c.917T>C (p.Leu306Pro)

Gene: SDHA (succinate dehydrogenase complex flavoprotein subunit A; plus strand). Cytogenetic location: 5p15.33.
Variant type: single nucleotide variant.
Coding change: c.917T>C on transcript NM_004168.4 (MANE Select); coding-DNA position 917, T replaced by C.
Protein change: p.Leu306Pro; replaces leucine 306 with proline.
Molecular consequence: missense variant.
Genome position (GRCh38, 1-based): chr5:233,498, T>C. VCF-style: chr5-233498-T-C. GRCh37 (hg19) VCF-style: chr5-233613-T-C.
Other names: c.773T>C, p.Leu258Pro (NM_001294332.2); c.917T>C, p.Leu306Pro (NM_001330758.2); c.917T>C (NM_004168.2); short protein forms L306P, L258P.
Identifiers: ClinVar variation 1444210 (VCV001444210.8), dbSNP rs1477142607, ClinGen allele CA359012551.

ClinVar aggregate classification (germline): Uncertain significance. Review status: criteria provided, multiple submitters, no conflicts (2 of 4 stars). 2 submissions from 2 submitters: Uncertain significance (2). Last evaluated 2026-04-21.

Conditions:
Mitochondrial complex II deficiency, nuclear type 1. Also called: SUCCINATE CoQ REDUCTASE DEFICIENCY. Identifiers: Orphanet 3208, MedGen C5700310, MONDO:0100294, OMIM 252011.
Pheochromocytoma/paraganglioma syndrome 5. Also called: Paragangliomas 5; SDHA-Related Hereditary Paraganglioma-Pheochromocytoma Syndrome. Identifiers: Orphanet 29072, MedGen C3279992, MONDO:0013602, OMIM 614165.
Hereditary cancer-predisposing syndrome. Also called: Neoplastic Syndromes, Hereditary; Hereditary Cancer Syndrome; Hereditary neoplastic syndrome; Tumor predisposition. Identifiers: Orphanet 140162, MedGen C0027672, MeSH D009386, MONDO:0015356.

Allele frequency attached by ClinVar (database versions not stated): gnomAD exomes below 0.00001.
gnomAD v4.1: 1 of 1,614,230 alleles (0.000062%); highest among the groups gnomAD compares: East Asian, 0.0022%; no homozygotes.

Submissions (2):

Ambry Genetics
Classification: Uncertain significance for Hereditary cancer-predisposing syndrome. Last evaluated: 2026-04-21. Review status: criteria provided, single submitter. Criteria: Ambry Variant Classification Scheme 2023. Collection method: clinical testing. Allele origin: germline.
Comment: The p.L306P variant (also known as c.917T>C), located in coding exon 8 of the SDHA gene, results from a T to C substitution at nucleotide position 917. The leucine at codon 306 is replaced by proline, an amino acid with similar properties. This amino acid position is conserved. In addition, this alteration is predicted to be deleterious by in silico analysis. Based on the available evidence, the clinical significance of this variant remains unclear.

Labcorp Genetics (formerly Invitae), Labcorp
Classification: Uncertain significance for Pheochromocytoma/paraganglioma syndrome 5; Mitochondrial complex II deficiency, nuclear type 1. Last evaluated: 2021-06-04. Review status: criteria provided, single submitter. Criteria: Invitae Variant Classification Sherloc (09022015). Collection method: clinical testing. Allele origin: germline.
Comment: In summary, the available evidence is currently insufficient to determine the role of this variant in disease. Therefore, it has been classified as a Variant of Uncertain Significance. Advanced modeling of protein sequence and biophysical properties (such as structural, functional, and spatial information, amino acid conservation, physicochemical variation, residue mobility, and thermodynamic stability) performed at Invitae indicates that this missense variant is expected to disrupt SDHA protein function. This variant has not been reported in the literature in individuals with SDHA-related conditions. This variant is not present in population databases (ExAC no frequency). This sequence change replaces leucine with proline at codon 306 of the SDHA protein (p.Leu306Pro). The leucine residue is highly conserved and there is a moderate physicochemical difference between leucine and proline.